The following is an entry in ClinVar:

ClinVar aggregate classification (germline): Uncertain significance. Review status: criteria provided, multiple submitters, no conflicts (2 of 4 stars). 3 submissions from 3 submitters: Uncertain significance (3). Last evaluated 2025-10-19.

Conditions:
Hypertrophic cardiomyopathy 15. Identifiers: MedGen C2750459, MONDO:0013200, OMIM 613255.
Dilated cardiomyopathy 1W (CMD1W). Identifiers: Orphanet 154, MedGen C1969639, MONDO:0012667, OMIM 611407.
Cardiovascular phenotype. Identifiers: MedGen CN230736.

Allele frequency attached by ClinVar (database versions not stated): gnomAD exomes below 0.00001; gnomAD 0.00002; TOPMed 0.00002.
gnomAD v4.1: 9 of 1,613,986 alleles (0.00056%); highest among the groups gnomAD compares: Non-Finnish European, 0.00076%; no homozygotes.

Submissions (3):

Labcorp Genetics (formerly Invitae), Labcorp
Classification: Uncertain significance for Dilated cardiomyopathy 1W. Last evaluated: 2025-10-19. Review status: criteria provided, single submitter. Criteria: Invitae Variant Classification Sherloc (09022015). Collection method: clinical testing. Allele origin: germline.
Comment: This sequence change replaces proline, which is neutral and non-polar, with arginine, which is basic and polar, at codon 605 of the VCL protein (p.Pro605Arg). This variant is present in population databases (no rsID available, gnomAD 0.002%). This variant has not been reported in the literature in individuals affected with VCL-related conditions. ClinVar contains an entry for this variant (Variation ID: 468812). An algorithm developed to predict the effect of missense changes on protein structure and function (PolyPhen-2) suggests that this variant is likely to be disruptive. In summary, the available evidence is currently insufficient to determine the role of this variant in disease. Therefore, it has been classified as a Variant of Uncertain Significance.

Ambry Genetics
Classification: Uncertain significance for Cardiovascular phenotype. Last evaluated: 2025-05-03. Review status: criteria provided, single submitter. Criteria: Ambry Variant Classification Scheme 2023. Collection method: clinical testing. Allele origin: germline.
Comment: The p.P605R variant (also known as c.1814C>G), located in coding exon 13 of the VCL gene, results from a C to G substitution at nucleotide position 1814. The proline at codon 605 is replaced by arginine, an amino acid with dissimilar properties. This amino acid position is conserved. In addition, this alteration is predicted to be deleterious by in silico analysis. Since supporting evidence is limited at this time, the clinical significance of this alteration remains unclear.

New York Genome Center
Classification: Uncertain significance for Dilated cardiomyopathy 1W; Hypertrophic cardiomyopathy 15. Last evaluated: 2022-02-09. Review status: criteria provided, single submitter. Criteria: NYGC Assertion Criteria 2020. Collection method: clinical testing. Allele origin: germline. Observed: 1 heterozygote.
Comment: The c.1814C>G variant in VCL has not previously been reported in the literature, however, it was deposited in ClinVar as Variant of Unknown Significance (ClinVar ID:468812). The c.1814C>G variant is observed in 6 alleles (~0.0015% minor allele frequency with 0 homozygotes) in population databases (gnomAD v2.1.1 and v3.1.2,TOPMed Freeze 8), suggesting it is not a common benign variant in the populations represented in those databases. The c.1814C>G variant is located in exon 13 of this 22-exon gene, and predicted to replace an evolutionarily conserved proline amino acid with arginine at position 605 (p.(Pro605Arg)) in the nonspecific region of the encoded protein (UniProtKB: P18206). In silico predictions are in favor of damaging effect for the predicted p.(Pro605Arg) variant (CADD v1.6 = 27.0, REVEL =0.822). Based on available evidence this heterozygous c.1814C>G p.(Pro605Arg) variant identified in VCL is classified as a Variant of Uncertain Significance.

NM_014000.3(VCL):c.1814C>G (p.Pro605Arg)

Gene: VCL (vinculin; plus strand). Cytogenetic location: 10q22.2.
Variant type: single nucleotide variant.
Coding change: c.1814C>G on transcript NM_014000.3 (MANE Select); coding-DNA position 1814, C replaced by G.
Protein change: p.Pro605Arg; replaces proline 605 with arginine.
Molecular consequence: missense variant.
Genome position (GRCh38, 1-based): chr10:74,097,274, C>G. VCF-style: chr10-74097274-C-G. GRCh37 (hg19) VCF-style: chr10-75857032-C-G.
Other names: c.1814C>G, p.Pro605Arg (NM_003373.4); short protein forms P605R.
Identifiers: ClinVar variation 468812 (VCV000468812.14), dbSNP rs960761223, ClinGen allele CA209704317.
Genomic context (GRCh38, chr10:74,097,274, plus strand): 5'-CTCGGATGCAGGAGGCCATGACTCAGGAAGTGTCAGATGTTTTCAGCGATACCACAACTC[C>G]CATCAAGCTGTTGGCAGTGGCAGCCACGGCGCCTCCTGATGCGCCTAACAGGGAAGAGGT-3'
Protein context (NP_054706.1, residues 595-615): VSDVFSDTTT[Pro605Arg]IKLLAVAATA